The following is an entry in ClinVar:

ClinVar aggregate classification (germline): Uncertain significance (1 of 4 stars; one submission).

Conditions:
KDM4B-related disorder. Also called: KDM4B-related condition.

gnomAD v4.1: 5 of 1,609,276 alleles (0.00031%); highest among the groups gnomAD compares: Non-Finnish European, 0.00042%; no homozygotes.

Submission:

PreventionGenetics, part of Exact Sciences
Classification: Uncertain significance for KDM4B-related condition. Last evaluated: 2025-11-01. Review status: criteria provided, single submitter. Criteria: ACMG Guidelines, 2015. Collection method: clinical testing. Allele origin: germline.
Comment: The KDM4B c.1062G>C variant is predicted to result in the amino acid substitution p.Glu354Asp. To our knowledge, this variant has not been reported in the literature. This variant is reported in 0.0065% of alleles in individuals of European (Non-Finnish) descent in gnomAD. At this time, the clinical significance of this variant is uncertain due to the absence of conclusive functional and genetic evidence.

NM_015015.3(KDM4B):c.1062G>C (p.Glu354Asp)

Gene: KDM4B (lysine demethylase 4B; plus strand). Cytogenetic location: 19p13.3.
Variant type: single nucleotide variant.
Coding change: c.1062G>C on transcript NM_015015.3 (MANE Select); coding-DNA position 1062, G replaced by C.
Protein change: p.Glu354Asp; replaces glutamic acid 354 with aspartic acid.
Molecular consequence: missense variant.
Genome position (GRCh38, 1-based): chr19:5,110,765, G>C. VCF-style: chr19-5110765-G-C. GRCh37 (hg19) VCF-style: chr19-5110776-G-C.
Other names: c.1062G>C, p.Glu354Asp (NM_001370093.1, NM_001370094.1, NM_001411148.1); short protein forms E354D.
Identifiers: ClinVar variation 4977290 (VCV004977290.1).
Genomic context (GRCh38, chr19:5,110,765, plus strand): 5'-GCAGGGCAAGGACCTCACGGTGCTGGACCACACGCGGCCCACGGCGCTCACCAGCCCCGA[G>C]CTGAGCTCCTGGAGTGCATCCCGGGCCTCGCTGAAGGCCAAGCTCCTCCGCAGGTGAGTT-3'
Protein context (NP_055830.1, residues 344-364): HTRPTALTSP[Glu354Asp]LSSWSASRAS